The following is an entry in ClinVar:

ClinVar aggregate classification (germline): Benign/Likely benign. Review status: criteria provided, multiple submitters, no conflicts (2 of 4 stars). 7 submissions from 7 submitters: Benign (1); Likely benign (4). 2 of the submissions do not count toward it. Last evaluated 2026-09-01.

Conditions:
ANK3-related disorder. Also called: ANK3-related condition.

Allele frequency attached by ClinVar (database versions not stated): 1000 Genomes Project 0.00300; 1000 Genomes Project 30x 0.00375; gnomAD 0.00459 and 0.00464; gnomAD exomes 0.00461 and 0.00568; ExAC 0.00469; ESP Exome Variant Server 0.00492; TOPMed 0.00570.
gnomAD v4.1: 9,047 of 1,613,618 alleles (0.56%); highest among the groups gnomAD compares: Middle Eastern, 1.1%; 32 homozygotes.

Submissions (7):

CeGaT Center for Human Genetics Tuebingen
Classification: Likely benign. Last evaluated: 2026-09-01. Review status: criteria provided, single submitter. Criteria: CeGaT Center For Human Genetics Tuebingen Variant Classification Criteria Version 2. Collection method: clinical testing. Allele origin: germline. Affected: yes. Observed: 49 variant alleles.
Comment: ANK3: BS2

Labcorp Genetics (formerly Invitae), Labcorp
Classification: Likely benign. Last evaluated: 2026-01-24. Review status: criteria provided, single submitter. Criteria: Invitae Variant Classification Sherloc (09022015). Collection method: clinical testing. Allele origin: germline.

Blueprint Genetics
Classification: Likely benign. Last evaluated: 2024-11-27. Review status: criteria provided, single submitter. Criteria: ACMG Guidelines, 2015. Collection method: clinical testing. Allele origin: germline.

Genomic Diagnostic Laboratory, Division of Genomic Diagnostics, Children's Hospital of Philadelphia
Classification: Benign. Last evaluated: 2015-07-17. Review status: criteria provided, single submitter. Criteria: DGD Variant Analysis Guidelines. Collection method: clinical testing. Allele origin: unknown.

Breakthrough Genomics
Classification: Likely benign. Review status: criteria provided, single submitter. Criteria: ACMG Guidelines, 2015. Collection method: not provided. Allele origin: germline. Inheritance: Autosomal recessive inheritance. Affected: yes.

PreventionGenetics, part of Exact Sciences
Classification: Benign for ANK3-related condition. Last evaluated: 2021-05-03. Review status: no assertion criteria provided. Collection method: clinical testing. Allele origin: germline. Not counted in ClinVar's aggregate classification.
Comment: This variant is classified as benign based on ACMG/AMP sequence variant interpretation guidelines (Richards et al. 2015 PMID: 25741868, with internal and published modifications).

Genetic Services Laboratory, University of Chicago
Classification: Likely benign for AllHighlyPenetrant. Review status: no assertion criteria provided. Collection method: clinical testing. Allele origin: germline. Inheritance: Autosomal recessive inheritance. Not counted in ClinVar's aggregate classification.
Comment: Likely benign based on allele frequency in 1000 Genomes Project or ESP global frequency and its presence in a patient with a rare or unrelated disease phenotype. NOT Sanger confirmed.

NM_020987.5(ANK3):c.7225T>C (p.Ser2409Pro)

Gene: ANK3 (ankyrin 3; minus strand). Cytogenetic location: 10q21.2.
Variant type: single nucleotide variant.
Coding change: c.7225T>C on transcript NM_020987.5 (MANE Select); coding-DNA position 7225, T replaced by C.
Protein change: p.Ser2409Pro; replaces serine 2409 with proline.
Molecular consequence: missense variant. On other transcripts: intron variant (4).
Genome position (GRCh38, 1-based): chr10:60,073,656, A>G on the plus strand (T>C on the coding strand, the complement: ANK3 is on the minus strand). VCF-style: chr10-60073656-A-G. GRCh37 (hg19) VCF-style: chr10-61833414-A-G.
Other names: c.4388-5647T>C (NM_001204403.2); c.4409-5647T>C (NM_001204404.2); c.4406-5647T>C (NM_001320874.2); c.1808-5647T>C (NM_001149.4); short protein forms S2409P.
Identifiers: ClinVar variation 128375 (VCV000128375.51), dbSNP rs148904927, ClinGen allele CA248692.